The following is an entry in ClinVar:

NM_152564.5(VPS13B):c.11495+4A>G

Gene: VPS13B (vacuolar protein sorting 13 homolog B; plus strand). Cytogenetic location: 8q22.2.
Variant type: single nucleotide variant.
Coding change: c.11495+4A>G on transcript NM_152564.5 (MANE Select); 4 bases into the intron after coding-DNA position 11495, A replaced by G.
Molecular consequence: intron variant.
Genome position (GRCh38, 1-based): chr8:99,870,891, A>G. VCF-style: chr8-99870891-A-G. GRCh37 (hg19) VCF-style: chr8-100883119-A-G.
Other names: c.11570+4A>G (NM_017890.5).
Identifiers: ClinVar variation 588471 (VCV000588471.5), dbSNP rs1563519738, ClinGen allele CA891843250.

ClinVar aggregate classification (germline): Uncertain significance (1 of 4 stars; one submission).

Conditions:
Inborn genetic diseases. Identifiers: MedGen C0950123, MeSH D030342.

Submission:

Ambry Genetics
Classification: Uncertain significance for Inborn genetic diseases. Last evaluated: 2016-11-23. Review status: criteria provided, single submitter. Criteria: Ambry Variant Classification Scheme 2023. Collection method: clinical testing. Allele origin: germline.
Comment: The c.11570+4A>G intronic variant results from an A to G substitution 4 nucleotides after coding exon 59 in the VPS13B gene. This nucleotide position is well conserved in available vertebrate species. Using the BDGP splice site prediction tool, this alteration is predicted to abolish the native splice donor site; however, direct evidence is unavailable. Since supporting evidence is limited at this time, the clinical significance of this variant remains unclear.